The following is an entry in ClinVar:

NM_005121.3(MED13):c.1203A>G (p.Leu401=)

Gene: MED13 (mediator complex subunit 13; minus strand). Cytogenetic location: 17q23.2.
Variant type: single nucleotide variant.
Coding change: c.1203A>G on transcript NM_005121.3 (MANE Select); coding-DNA position 1203, A replaced by G.
Protein change: p.Leu401=; no amino-acid change (leucine 401 retained).
Molecular consequence: synonymous variant.
Genome position (GRCh38, 1-based): chr17:62,029,621, T>C on the plus strand (A>G on the coding strand, the complement: MED13 is on the minus strand). VCF-style: chr17-62029621-T-C. GRCh37 (hg19) VCF-style: chr17-60106982-T-C.
Identifiers: ClinVar variation 768904 (VCV000768904.7), dbSNP rs57185107, ClinGen allele CA8693114.

ClinVar aggregate classification (germline): Benign. Review status: criteria provided, multiple submitters, no conflicts (2 of 4 stars). 3 submissions from 3 submitters: Benign (2). 1 of the submissions does not count toward it. Last evaluated 2019-12-31.

Conditions:
MED13-related disorder. Also called: MED13-related condition.

Allele frequency attached by ClinVar (database versions not stated): gnomAD exomes 0.00058 and 0.00151; ExAC 0.00165; ESP Exome Variant Server 0.00538; gnomAD 0.00585 and 0.00628; TOPMed 0.00650; 1000 Genomes Project 0.00659; 1000 Genomes Project 30x 0.00703.
gnomAD v4.1: 1,783 of 1,614,120 alleles (0.11%); highest among the groups gnomAD compares: African/African-American, 2.1%; 17 homozygotes.

Submissions (3):

Labcorp Genetics (formerly Invitae), Labcorp
Classification: Benign. Last evaluated: 2019-12-31. Review status: criteria provided, single submitter. Criteria: Invitae Variant Classification Sherloc (09022015). Collection method: clinical testing. Allele origin: germline.

Breakthrough Genomics
Classification: Benign. Review status: criteria provided, single submitter. Criteria: ACMG Guidelines, 2015. Collection method: not provided. Allele origin: germline. Inheritance: Autosomal dominant inheritance. Affected: yes.

PreventionGenetics, part of Exact Sciences
Classification: Benign for MED13-related condition. Last evaluated: 2023-12-26. Review status: no assertion criteria provided. Collection method: clinical testing. Allele origin: germline. Not counted in ClinVar's aggregate classification.
Comment: This variant is classified as benign based on ACMG/AMP sequence variant interpretation guidelines (Richards et al. 2015 PMID: 25741868, with internal and published modifications).